The following is an entry in ClinVar:

NM_000218.3(KCNQ1):c.64G>C (p.Gly22Arg)

Gene: KCNQ1 (potassium voltage-gated channel subfamily Q member 1; plus strand). Cytogenetic location: 11p15.5.
Variant type: single nucleotide variant.
Coding change: c.64G>C on transcript NM_000218.3 (MANE Select); coding-DNA position 64, G replaced by C.
Protein change: p.Gly22Arg; replaces glycine 22 with arginine.
Molecular consequence: missense variant.
Genome position (GRCh38, 1-based): chr11:2,445,162, G>C. VCF-style: chr11-2445162-G-C. GRCh37 (hg19) VCF-style: chr11-2466392-G-C.
Other names: p.G22R:GGC>CGC; short protein forms G22R.
Identifiers: ClinVar variation 200868 (VCV000200868.14), dbSNP rs794728545, ClinGen allele CA007829.
Genomic context (GRCh38, chr11:2,445,162, plus strand): 5'-GCCGCGGCCTCCTCCCCGCCCAGGGCCGAGAGGAAGCGCTGGGGTTGGGGCCGCCTGCCA[G>C]GCGCCCGGCGGGGCAGCGCGGGCCTGGCCAAGAAGTGCCCCTTCTCGCTGGAGCTGGCGG-3'
Protein context (NP_000209.2, residues 12-32): RKRWGWGRLP[Gly22Arg]ARRGSAGLAK

ClinVar aggregate classification (germline): Uncertain significance. Review status: criteria provided, multiple submitters, no conflicts (2 of 4 stars). 3 submissions from 3 submitters: Uncertain significance (3). Last evaluated 2024-05-30.

Conditions:
Long QT syndrome (LQTS). Identifiers: MedGen C0023976, MeSH D008133, MONDO:0002442. Disease mechanism: loss of function. Inheritance: Various modes of inheritance.
Cardiovascular phenotype. Identifiers: MedGen CN230736.

Allele frequency attached by ClinVar (database versions not stated): gnomAD 0.00001; TOPMed 0.00001; gnomAD exomes 0.00002.
gnomAD v4.1: 21 of 1,136,166 alleles (0.0018%); highest among the groups gnomAD compares: Non-Finnish European, 0.0023%; no homozygotes.

Submissions (3):

Ambry Genetics
Classification: Uncertain significance for Cardiovascular phenotype. Last evaluated: 2024-05-30. Review status: criteria provided, single submitter. Criteria: Ambry Variant Classification Scheme 2023. Collection method: clinical testing. Allele origin: germline.
Comment: The p.G22R variant (also known as c.64G>C), located in coding exon 1 of the KCNQ1 gene, results from a G to C substitution at nucleotide position 64. The glycine at codon 22 is replaced by arginine, an amino acid with dissimilar properties. This variant has been reported in individuals from long QT syndrome cohorts; however, details were limited (Schwartz PJ et al. Eur Heart J, 2021 Dec;42:4743-4755). This amino acid position is well conserved in available vertebrate species. In addition, the in silico prediction for this alteration is inconclusive. Based on the available evidence, the clinical significance of this variant remains unclear.

Labcorp Genetics (formerly Invitae), Labcorp
Classification: Uncertain significance for Long QT syndrome. Last evaluated: 2024-03-09. Review status: criteria provided, single submitter. Criteria: Invitae Variant Classification Sherloc (09022015). Collection method: clinical testing. Allele origin: germline.
Comment: This sequence change replaces glycine, which is neutral and non-polar, with arginine, which is basic and polar, at codon 22 of the KCNQ1 protein (p.Gly22Arg). This variant is present in population databases (rs794728545, gnomAD 0.007%). This missense change has been observed in individual(s) with clinical features of Long QT Syndrome (PMID: 34505893). ClinVar contains an entry for this variant (Variation ID: 200868). Advanced modeling of protein sequence and biophysical properties (such as structural, functional, and spatial information, amino acid conservation, physicochemical variation, residue mobility, and thermodynamic stability) performed at Invitae indicates that this missense variant is expected to disrupt KCNQ1 protein function with a positive predictive value of 95%. In summary, the available evidence is currently insufficient to determine the role of this variant in disease. Therefore, it has been classified as a Variant of Uncertain Significance.

GeneDx
Classification: Uncertain significance. Last evaluated: 2022-12-02. Review status: criteria provided, single submitter. Criteria: GeneDx Variant Classification Process June 2021. Collection method: clinical testing. Allele origin: germline. Affected: yes.
Comment: Not observed at significant frequency in large population cohorts (gnomAD); In silico analysis supports that this missense variant does not alter protein structure/function; This variant is associated with the following publications: (PMID: 34505893)

Literature cited by the submitters: PubMed 34505893 (cited by Ambry Genetics and Labcorp Genetics (formerly Invitae), Labcorp).